The following is an entry in ClinVar:

NM_004260.4(RECQL4):c.3189G>A (p.Glu1063=)

Gene: RECQL4 (RecQ like helicase 4; minus strand). Cytogenetic location: 8q24.3.
Variant type: single nucleotide variant.
Coding change: c.3189G>A on transcript NM_004260.4 (MANE Select); coding-DNA position 3189, G replaced by A.
Protein change: p.Glu1063=; no amino-acid change (glutamic acid 1063 retained).
Molecular consequence: synonymous variant.
Genome position (GRCh38, 1-based): chr8:144,512,191, C>T on the plus strand (G>A on the coding strand, the complement: RECQL4 is on the minus strand). VCF-style: chr8-144512191-C-T. GRCh37 (hg19) VCF-style: chr8-145737574-C-T.
Identifiers: ClinVar variation 1105307 (VCV001105307.15), dbSNP rs1827364974, ClinGen allele CA463565832.

ClinVar aggregate classification (germline): Likely benign. Review status: criteria provided, multiple submitters, no conflicts (2 of 4 stars). 3 submissions from 3 submitters: Likely benign (3). Last evaluated 2025-09-01.

Conditions:
Baller-Gerold syndrome (BGS). Also called: CRANIOSYNOSTOSIS WITH RADIAL DEFECTS. Identifiers: Orphanet 1225, MedGen C0265308, MONDO:0009039, OMIM 218600.

Allele frequency attached by ClinVar (database versions not stated): TOPMed below 0.00001; gnomAD exomes 0.00001.
gnomAD v4.1: 18 of 1,612,118 alleles (0.0011%); highest among the groups gnomAD compares: Non-Finnish European, 0.0015%; no homozygotes.

Submissions (3):

CeGaT Center for Human Genetics Tuebingen
Classification: Likely benign. Last evaluated: 2025-09-01. Review status: criteria provided, single submitter. Criteria: CeGaT Center For Human Genetics Tuebingen Variant Classification Criteria Version 2. Collection method: clinical testing. Allele origin: germline. Affected: yes. Observed: 1 variant allele.
Comment: RECQL4: BP4, BP7

Labcorp Genetics (formerly Invitae), Labcorp
Classification: Likely benign for Baller-Gerold syndrome. Last evaluated: 2022-12-24. Review status: criteria provided, single submitter. Criteria: Invitae Variant Classification Sherloc (09022015). Collection method: clinical testing. Allele origin: germline.

Blueprint Genetics
Classification: Likely benign. Last evaluated: 2022-07-25. Review status: criteria provided, single submitter. Criteria: ACMG Guidelines, 2015. Collection method: clinical testing. Allele origin: germline.